The following is an entry in ClinVar:

NM_000045.4(ARG1):c.128A>G (p.Gln43Arg)

Genes: ARG1 (arginase 1; plus strand), MED23 (mediator complex subunit 23; minus strand). Cytogenetic location: 6q23.2.
Variant type: single nucleotide variant.
Coding change: c.128A>G on transcript NM_000045.4 (MANE Select); coding-DNA position 128, A replaced by G.
Protein change: p.Gln43Arg; replaces glutamine 43 with arginine.
Molecular consequence: missense variant. On other transcripts: intron variant (2).
Genome position (GRCh38, 1-based): chr6:131,576,733, A>G. VCF-style: chr6-131576733-A-G. GRCh37 (hg19) VCF-style: chr6-131897873-A-G.
Other names: c.128A>G, p.Gln43Arg (NM_001244438.2, NM_001369020.1); c.4078-2438T>C (NM_001270521.2); c.4096-2438T>C (NM_015979.4); short protein forms Q43R.
Identifiers: ClinVar variation 1930903 (VCV001930903.4), dbSNP rs2482334776, ClinGen allele CA365649899.

ClinVar aggregate classification (germline): Uncertain significance (1 of 4 stars; one submission).

Conditions:
Arginase deficiency. Also called: ARGININEMIA; ARG1 DEFICIENCY; Arginase 1 Deficiency. Identifiers: Orphanet 90, MedGen C0268548, MONDO:0008814, OMIM 207800.

Submission:

Labcorp Genetics (formerly Invitae), Labcorp
Classification: Uncertain significance for Arginase deficiency. Last evaluated: 2024-10-22. Review status: criteria provided, single submitter. Criteria: Invitae Variant Classification Sherloc (09022015). Collection method: clinical testing. Allele origin: germline.
Comment: This sequence change replaces glutamine, which is neutral and polar, with arginine, which is basic and polar, at codon 43 of the ARG1 protein (p.Gln43Arg). This variant is not present in population databases (gnomAD no frequency). This variant has not been reported in the literature in individuals affected with ARG1-related conditions. ClinVar contains an entry for this variant (Variation ID: 1930903). An algorithm developed to predict the effect of missense changes on protein structure and function (PolyPhen-2) suggests that this variant is likely to be tolerated. In summary, the available evidence is currently insufficient to determine the role of this variant in disease. Therefore, it has been classified as a Variant of Uncertain Significance.